The following is an entry in ClinVar:

NM_004415.4(DSP):c.7356G>C (p.Gln2452His)

Gene: DSP (desmoplakin; plus strand). Cytogenetic location: 6p24.3.
Variant type: single nucleotide variant.
Coding change: c.7356G>C on transcript NM_004415.4 (MANE Select); coding-DNA position 7356, G replaced by C.
Protein change: p.Gln2452His; replaces glutamine 2452 with histidine.
Molecular consequence: missense variant.
Genome position (GRCh38, 1-based): chr6:7,584,618, G>C. VCF-style: chr6-7584618-G-C. GRCh37 (hg19) VCF-style: chr6-7584851-G-C.
Other names: c.5559G>C, p.Gln1853His (NM_001008844.3); c.6027G>C, p.Gln2009His (NM_001319034.2); short protein forms Q1853H, Q2009H, Q2452H.
Identifiers: ClinVar variation 3386718 (VCV003386718.1).

ClinVar aggregate classification (germline): Uncertain significance (1 of 4 stars; one submission).

Conditions:
Arrhythmogenic cardiomyopathy with wooly hair and keratoderma. Also called: Carvajal syndrome; PALMOPLANTAR KERATODERMA WITH LEFT VENTRICULAR CARDIOMYOPATHY AND WOOLLY HAIR; Dilated cardiomyopathy with woolly hair and keratoderma; Arrhythmogenic cardiomyopathy with woolly hair and keratoderma. Identifiers: Orphanet 65282, MedGen C1854063, MONDO:0011581, OMIM 605676.

Submission:

All of Us Research Program, National Institutes of Health
Classification: Uncertain significance for Arrhythmogenic cardiomyopathy with wooly hair and keratoderma. Last evaluated: 2024-04-16. Review status: criteria provided, single submitter. Criteria: ACMG Guidelines, 2015. Collection method: clinical testing. Allele origin: germline. Inheritance: Autosomal dominant inheritance. Observed: 1 variant allele, 1 heterozygote.
Comment: This missense variant replaces glutamine with histidine at codon 2452 of the DSP protein. Computational prediction suggests that this variant may not impact protein structure and function (internally defined REVEL score threshold <= 0.5, PMID: 27666373). To our knowledge, functional studies have not been reported for this variant. This variant has not been reported in individuals affected with DSP-related disorders in the literature. This variant has not been identified in the general population by the Genome Aggregation Database (gnomAD). The available evidence is insufficient to determine the role of this variant in disease conclusively. Therefore, this variant is classified as a Variant of Uncertain Significance.

This study involves interpretation of variants in research participants for the purpose of population health screening. Participant phenotype was not available at the time of variant classification. Additional details can be found in publication PMID: 35346344, PMCID: PMC8962531